The following is an entry in ClinVar:

NM_014974.3(DIP2C):c.542C>G (p.Thr181Arg)

Gene: DIP2C (DIP2 acetate--CoA ligase C (putative); minus strand). Cytogenetic location: 10p15.3.
Variant type: single nucleotide variant.
Coding change: c.542C>G on transcript NM_014974.3 (MANE Select); coding-DNA position 542, C replaced by G.
Protein change: p.Thr181Arg; replaces threonine 181 with arginine.
Molecular consequence: missense variant.
Genome position (GRCh38, 1-based): chr10:422,886, G>C on the plus strand (C>G on the coding strand, the complement: DIP2C is on the minus strand). VCF-style: chr10-422886-G-C. GRCh37 (hg19) VCF-style: chr10-468826-G-C.
Other names: c.542C>G (NM_014974.2); short protein forms T181R.
Identifiers: ClinVar variation 2875402 (VCV002875402.4), dbSNP rs370459221, ClinGen allele CA375834458.

ClinVar aggregate classification (germline): Uncertain significance. Review status: criteria provided, multiple submitters, no conflicts (2 of 4 stars). 2 submissions from 2 submitters: Uncertain significance (2). Last evaluated 2024-01-17.

Conditions:
Inborn genetic diseases. Identifiers: MedGen C0950123, MeSH D030342.

gnomAD v4.1: 2 of 1,613,650 alleles (0.00012%); highest among the groups gnomAD compares: Non-Finnish European, 0.00017%; no homozygotes.

Submissions (2):

Ambry Genetics
Classification: Uncertain significance for Inborn genetic diseases. Last evaluated: 2024-01-17. Review status: criteria provided, single submitter. Criteria: Ambry Variant Classification Scheme 2023. Collection method: clinical testing. Allele origin: germline.

Labcorp Genetics (formerly Invitae), Labcorp
Classification: Uncertain significance. Last evaluated: 2023-04-09. Review status: criteria provided, single submitter. Criteria: Invitae Variant Classification Sherloc (09022015). Collection method: clinical testing. Allele origin: germline.
Comment: In summary, the available evidence is currently insufficient to determine the role of this variant in disease. Therefore, it has been classified as a Variant of Uncertain Significance. An algorithm developed to predict the effect of missense changes on protein structure and function (PolyPhen-2) suggests that this variant is likely to be disruptive. This variant has not been reported in the literature in individuals affected with DIP2C-related conditions. This variant is present in population databases (no rsID available, gnomAD 0.007%). This sequence change replaces threonine, which is neutral and polar, with arginine, which is basic and polar, at codon 181 of the DIP2C protein (p.Thr181Arg).